The following is an entry in ClinVar:

NM_053025.4(MYLK):c.1867C>T (p.Pro623Ser)

Gene: MYLK (myosin light chain kinase; minus strand). Cytogenetic location: 3q21.1.
Variant type: single nucleotide variant.
Coding change: c.1867C>T on transcript NM_053025.4 (MANE Select); coding-DNA position 1867, C replaced by T.
Protein change: p.Pro623Ser; replaces proline 623 with serine.
Molecular consequence: missense variant.
Genome position (GRCh38, 1-based): chr3:123,709,831, G>A on the plus strand (C>T on the coding strand, the complement: MYLK is on the minus strand). VCF-style: chr3-123709831-G-A. GRCh37 (hg19) VCF-style: chr3-123428678-G-A.
Other names: c.1339C>T, p.Pro447Ser (NM_001321309.2); c.1660C>T, p.Pro554Ser (NM_053026.4, NM_053028.4); c.1867C>T, p.Pro623Ser (NM_053027.4); short protein forms P447S, P554S, P623S.
Identifiers: ClinVar variation 2864143 (VCV002864143.3), dbSNP rs2474323271, ClinGen allele CA354235056.
Genomic context (GRCh38, chr3:123,709,831, plus strand): 5'-TCATAGTGACCTGGCTTCCATCCATGACTTTGAGATCAGAGAGGCCCTGCAGGAAGATGG[G>A]TGCAGTGGGCTTGCTGGGAGCCACAGGCAGAAGGTACTCACTCTTCCTGCTACTCTTCTT-3'
Protein context (NP_444253.3, residues 613-633): LPVAPSKPTA[Pro623Ser]IFLQGLSDLK

ClinVar aggregate classification (germline): Uncertain significance (1 of 4 stars; one submission).

Conditions:
Aortic aneurysm, familial thoracic 7 (AAT7). Also called: AORTIC DISSECTION, FAMILIAL, WITH OR WITHOUT AORTIC ANEURYSM. Identifiers: MedGen C3151077, MONDO:0013418, OMIM 613780.

Submission:

Labcorp Genetics (formerly Invitae), Labcorp
Classification: Uncertain significance for Aortic aneurysm, familial thoracic 7. Last evaluated: 2023-07-03. Review status: criteria provided, single submitter. Criteria: Invitae Variant Classification Sherloc (09022015). Collection method: clinical testing. Allele origin: germline.
Comment: In summary, the available evidence is currently insufficient to determine the role of this variant in disease. Therefore, it has been classified as a Variant of Uncertain Significance. Advanced modeling of protein sequence and biophysical properties (such as structural, functional, and spatial information, amino acid conservation, physicochemical variation, residue mobility, and thermodynamic stability) performed at Invitae indicates that this missense variant is not expected to disrupt MYLK protein function. This variant has not been reported in the literature in individuals affected with MYLK-related conditions. This variant is not present in population databases (gnomAD no frequency). This sequence change replaces proline, which is neutral and non-polar, with serine, which is neutral and polar, at codon 623 of the MYLK protein (p.Pro623Ser).